The following is an entry in ClinVar:

ClinVar aggregate classification (germline): Uncertain significance. Review status: criteria provided, single submitter (1 of 4 stars). 2 submissions from 2 submitters: Uncertain significance (1). 1 of the submissions does not count toward it. Last evaluated 2022-09-14.

Conditions:
Cystic fibrosis (CF). Also called: MUCOVISCIDOSIS. Identifiers: Orphanet 586, MedGen C0010674, MONDO:0009061, OMIM 219700. Disease mechanism: loss of function.

Submissions (2):

Labcorp Genetics (formerly Invitae), Labcorp
Classification: Uncertain significance for Cystic fibrosis. Last evaluated: 2022-09-14. Review status: criteria provided, single submitter. Criteria: Invitae Variant Classification Sherloc (09022015). Collection method: clinical testing. Allele origin: germline.
Comment: In summary, the available evidence is currently insufficient to determine the role of this variant in disease. Therefore, it has been classified as a Variant of Uncertain Significance. This variant, c.3364_3366del, results in the deletion of 1 amino acid(s) of the CFTR protein (p.Thr1122del), but otherwise preserves the integrity of the reading frame. This variant is not present in population databases (gnomAD no frequency). This variant has not been reported in the literature in individuals affected with CFTR-related conditions. ClinVar contains an entry for this variant (Variation ID: 552355).

Counsyl
Classification: Uncertain significance for Cystic fibrosis. Last evaluated: 2017-06-08. Review status: no assertion criteria provided. Collection method: clinical testing. Allele origin: unknown. Not counted in ClinVar's aggregate classification.

NM_000492.4(CFTR):c.3361ACA[1] (p.Thr1122del)

Genes: CFTR-AS2 (CFTR antisense RNA 2; minus strand), CFTR (CF transmembrane conductance regulator; plus strand), LOC111674472 (DNase I hypersensitive sites in introns 16 and 17a of CFTR; plus strand). Cytogenetic location: 7q31.2.
Variant type: Microsatellite.
Coding change: c.3361ACA[1] on transcript NM_000492.4 (MANE Select); one copy of the 3-base unit ACA starting at c.3361; the reference has two copies in a row; one copy, 3 bases deleted.
Protein change: p.Thr1122del; deletes threonine 1122.
Molecular consequence: inframe deletion.
Genome position (GRCh38, 1-based): chr7:117,611,805-117,611,807, ACA deleted; deleting any 3 consecutive bases within chr7:117,611,801-117,611,807 gives the same sequence; the position shown is the placement nearest the transcript's 3' end. VCF-style (leftmost placement, unchanged base first): chr7-117611800-TAAC-T. GRCh37 (hg19) VCF-style: chr7-117251854-TAAC-T.
Other names: c.3364_3366delACA (NM_000492.3); short protein forms T1122del.
Identifiers: ClinVar variation 552355 (VCV000552355.6), dbSNP rs1554392295, ClinGen allele CA658822509.